The following is an entry in ClinVar:

NM_001365999.1(SZT2):c.7395T>C (p.Ile2465=)

Gene: SZT2 (SZT2 subunit of KICSTOR complex; plus strand). Cytogenetic location: 1p34.2.
Variant type: single nucleotide variant.
Coding change: c.7395T>C on transcript NM_001365999.1 (MANE Select); coding-DNA position 7395, T replaced by C.
Protein change: p.Ile2465=; no amino-acid change (isoleucine 2465 retained).
Molecular consequence: synonymous variant.
Genome position (GRCh38, 1-based): chr1:43,441,264, T>C. VCF-style: chr1-43441264-T-C. GRCh37 (hg19) VCF-style: chr1-43906935-T-C.
Other names: c.7224T>C, p.Ile2408= (NM_015284.4).
Identifiers: ClinVar variation 260624 (VCV000260624.49), dbSNP rs78858677, ClinGen allele CA810218.

ClinVar aggregate classification (germline): Benign/Likely benign. Review status: criteria provided, multiple submitters, no conflicts (2 of 4 stars). 9 submissions from 9 submitters: Benign (3); Likely benign (6). Last evaluated 2026-01-22.

Conditions:
Inborn genetic diseases. Identifiers: MedGen C0950123, MeSH D030342.
Developmental and epileptic encephalopathy, 18 (DEE18). Also called: Early infantile epileptic encephalopathy 18. Identifiers: Orphanet 369894, MedGen C3809624, MONDO:0014201, OMIM 615476.

Allele frequency attached by ClinVar (database versions not stated): gnomAD 0.00134; ESP Exome Variant Server 0.00146; TOPMed 0.00174; 1000 Genomes Project 0.00260; 1000 Genomes Project 30x 0.00359.
gnomAD v4.1: 468 of 1,614,210 alleles (0.029%); highest among the groups gnomAD compares: African/African-American, 0.54%; 2 homozygotes.

Submissions (9):

Labcorp Genetics (formerly Invitae), Labcorp
Classification: Benign. Last evaluated: 2026-01-22. Review status: criteria provided, single submitter. Criteria: Invitae Variant Classification Sherloc (09022015). Collection method: clinical testing. Allele origin: germline.

Blueprint Genetics
Classification: Likely benign. Last evaluated: 2024-07-30. Review status: criteria provided, single submitter. Criteria: ACMG Guidelines, 2015. Collection method: clinical testing. Allele origin: germline.

Genome-Nilou Lab
Classification: Benign for Developmental and epileptic encephalopathy, 18. Last evaluated: 2023-04-11. Review status: criteria provided, single submitter. Criteria: ACMG Guidelines, 2015. Collection method: clinical testing. Allele origin: germline. Affected: no.

CeGaT Center for Human Genetics Tuebingen
Classification: Likely benign. Last evaluated: 2023-02-01. Review status: criteria provided, single submitter. Criteria: CeGaT Center For Human Genetics Tuebingen Variant Classification Criteria Version 2. Collection method: clinical testing. Allele origin: germline. Affected: yes. Observed: 1 variant allele.
Comment: SZT2: BP4, BP7

GeneDx
Classification: Likely benign. Last evaluated: 2021-05-06. Review status: criteria provided, single submitter. Criteria: GeneDx Variant Classification Process June 2021. Collection method: clinical testing. Allele origin: germline. Affected: yes.

Genetic Services Laboratory, University of Chicago
Classification: Likely benign. Last evaluated: 2017-05-05. Review status: criteria provided, single submitter. Criteria: ACMG Guidelines, 2015. Collection method: clinical testing. Allele origin: germline. Affected: no.

Ambry Genetics
Classification: Likely benign for Inborn genetic diseases. Last evaluated: 2016-04-26. Review status: criteria provided, single submitter. Criteria: Ambry Variant Classification Scheme 2023. Collection method: clinical testing. Allele origin: germline.

Breakthrough Genomics
Classification: Likely benign. Review status: criteria provided, single submitter. Criteria: ACMG Guidelines, 2015. Collection method: not provided. Allele origin: germline. Inheritance: Autosomal recessive inheritance. Affected: yes.

PreventionGenetics, part of Exact Sciences
Classification: Benign. Review status: criteria provided, single submitter. Criteria: ACMG Guidelines, 2015. Collection method: clinical testing. Allele origin: germline.